The following is an entry in ClinVar:

NM_174889.5(NDUFAF2):c.174dup (p.Glu59fs)

Gene: NDUFAF2 (NADH:ubiquinone oxidoreductase complex assembly factor 2; plus strand). Cytogenetic location: 5q12.1.
Variant type: Duplication.
Coding change: c.174dup on transcript NM_174889.5 (MANE Select); coding-DNA position 174, one base duplicated (A; older notation c.174dupA).
Protein change: p.Glu59fs; shifts the reading frame from glutamic acid 59.
Molecular consequence: frameshift variant.
Genome position (GRCh38, 1-based): chr5:61,073,171, A duplicated; the last of 6 consecutive A bases (chr5:61,073,166-61,073,171); duplicating any one gives the same sequence. VCF-style (leftmost placement, unchanged base first): chr5-61073165-T-TA. GRCh37 (hg19) VCF-style: chr5-60368992-T-TA.
Other names: short protein forms E59fs.
Identifiers: ClinVar variation 2755333 (VCV002755333.3), dbSNP rs2532030623, ClinGen allele CA2697547186.

ClinVar aggregate classification (germline): Pathogenic (1 of 4 stars; one submission).

Submission:

Labcorp Genetics (formerly Invitae), Labcorp
Classification: Pathogenic. Last evaluated: 2023-08-28. Review status: criteria provided, single submitter. Criteria: Invitae Variant Classification Sherloc (09022015). Collection method: clinical testing. Allele origin: germline.
Comment: This sequence change creates a premature translational stop signal (p.Glu59Argfs*5) in the NDUFAF2 gene. It is expected to result in an absent or disrupted protein product. Loss-of-function variants in NDUFAF2 are known to be pathogenic (PMID: 18180188). This variant is not present in population databases (gnomAD no frequency). This variant has not been reported in the literature in individuals affected with NDUFAF2-related conditions. For these reasons, this variant has been classified as Pathogenic.

Literature cited by the submitters: PubMed 18180188.